The following is an entry in ClinVar:

NM_024580.6(EFL1):c.2031G>T (p.Arg677Ser)

Gene: EFL1 (elongation factor like GTPase 1; minus strand). Cytogenetic location: 15q25.2.
Variant type: single nucleotide variant.
Coding change: c.2031G>T on transcript NM_024580.6 (MANE Select); coding-DNA position 2031, G replaced by T.
Protein change: p.Arg677Ser; replaces arginine 677 with serine.
Molecular consequence: missense variant. On other transcripts: non-coding transcript variant (1).
Genome position (GRCh38, 1-based): chr15:82,152,423, C>A on the plus strand (G>T on the coding strand, the complement: EFL1 is on the minus strand). VCF-style: chr15-82152423-C-A. GRCh37 (hg19) VCF-style: chr15-82444764-C-A.
Other names: c.1878G>T, p.Arg626Ser (NM_001040610.3); c.1242G>T, p.Arg414Ser (NM_001322844.2); c.2031G>T, p.Arg677Ser (NM_001322845.2); short protein forms R677S, R626S, R414S.
Identifiers: ClinVar variation 1467655 (VCV001467655.5), dbSNP rs373644493, ClinGen allele CA7697806.

ClinVar aggregate classification (germline): Uncertain significance (1 of 4 stars; one submission).

Allele frequency attached by ClinVar (database versions not stated): TOPMed 0.00004; ESP Exome Variant Server 0.00009.
gnomAD v4.1: 39 of 1,591,728 alleles (0.0025%); highest among the groups gnomAD compares: Non-Finnish European, 0.0032%; no homozygotes.

Submission:

Labcorp Genetics (formerly Invitae), Labcorp
Classification: Uncertain significance. Last evaluated: 2022-04-03. Review status: criteria provided, single submitter. Criteria: Invitae Variant Classification Sherloc (09022015). Collection method: clinical testing. Allele origin: germline.
Comment: This sequence change replaces arginine, which is basic and polar, with serine, which is neutral and polar, at codon 677 of the EFL1 protein (p.Arg677Ser). This variant is present in population databases (rs373644493, gnomAD 0.0009%). This variant has not been reported in the literature in individuals affected with EFL1-related conditions. Algorithms developed to predict the effect of missense changes on protein structure and function (SIFT, PolyPhen-2, Align-GVGD) all suggest that this variant is likely to be tolerated. Algorithms developed to predict the effect of sequence changes on RNA splicing suggest that this variant may create or strengthen a splice site. In summary, the available evidence is currently insufficient to determine the role of this variant in disease. Therefore, it has been classified as a Variant of Uncertain Significance.